The following is an entry in ClinVar:

NM_145207.3(AFG2A):c.595_596del (p.Asp199fs)

Gene: AFG2A (AAA ATPase AFG2A; plus strand). Cytogenetic location: 4q28.1.
Variant type: Deletion.
Coding change: c.595_596del on transcript NM_145207.3 (MANE Select); coding-DNA positions 595 to 596, 2 bases deleted (GA; older notation c.595_596delGA).
Protein change: p.Asp199fs; shifts the reading frame from aspartic acid 199.
Molecular consequence: frameshift variant.
Genome position (GRCh38, 1-based): chr4:122,934,186-122,934,187, GA deleted; deleting any 2 consecutive bases within chr4:122,934,185-122,934,187 gives the same sequence; the c. name uses the placement nearest the transcript's 3' end. VCF-style (leftmost placement, unchanged base first): chr4-122934184-CAG-C. GRCh37 (hg19) VCF-style: chr4-123855339-CAG-C.
Other names: c.592_593del, p.Asp198fs (NM_001317799.2, NM_001345856.2); short protein forms D199fs, D198fs.
Identifiers: ClinVar variation 1457120 (VCV001457120.5), dbSNP rs1235103571, ClinGen allele CA554525416.

ClinVar aggregate classification (germline): Pathogenic (1 of 4 stars; one submission).

Conditions:
Microcephaly-intellectual disability-sensorineural hearing loss-epilepsy-abnormal muscle tone syndrome (NEDHSB). Also called: NEURODEVELOPMENTAL DISORDER WITH HEARING LOSS, SEIZURES, AND BRAIN ABNORMALITIES. Identifiers: Orphanet 457351, MedGen C4225276, MONDO:0014698, OMIM 616577.

Submission:

Labcorp Genetics (formerly Invitae), Labcorp
Classification: Pathogenic for Microcephaly-intellectual disability-sensorineural hearing loss-epilepsy-abnormal muscle tone syndrome. Last evaluated: 2022-06-20. Review status: criteria provided, single submitter. Criteria: Invitae Variant Classification Sherloc (09022015). Collection method: clinical testing. Allele origin: germline.
Comment: This sequence change creates a premature translational stop signal (p.Asp199Trpfs*10) in the SPATA5 gene. It is expected to result in an absent or disrupted protein product. Loss-of-function variants in SPATA5 are known to be pathogenic (PMID: 26299366). For these reasons, this variant has been classified as Pathogenic. This variant has not been reported in the literature in individuals affected with SPATA5-related conditions. This variant is present in population databases (no rsID available, gnomAD 0.007%).

Literature cited by the submitters: PubMed 26299366.